The following is an entry in ClinVar:

ClinVar aggregate classification (germline): Uncertain significance (1 of 4 stars; one submission).

Conditions:
Cardiovascular phenotype. Identifiers: MedGen CN230736.

Submission:

Ambry Genetics
Classification: Uncertain significance for Cardiovascular phenotype. Last evaluated: 2024-02-25. Review status: criteria provided, single submitter. Criteria: Ambry Variant Classification Scheme 2023. Collection method: clinical testing. Allele origin: germline.
Comment: The p.P897S variant (also known as c.2689C>T), located in coding exon 16 of the EPHB4 gene, results from a C to T substitution at nucleotide position 2689. The proline at codon 897 is replaced by serine, an amino acid with similar properties. This amino acid position is conserved. In addition, the in silico prediction for this alteration is inconclusive. Based on the available evidence, the clinical significance of this alteration remains unclear.

NM_004444.5(EPHB4):c.2689C>T (p.Pro897Ser)

Gene: EPHB4 (EPH receptor B4; minus strand). Cytogenetic location: 7q22.1.
Variant type: single nucleotide variant.
Coding change: c.2689C>T on transcript NM_004444.5 (MANE Select); coding-DNA position 2689, C replaced by T.
Protein change: p.Pro897Ser; replaces proline 897 with serine.
Molecular consequence: missense variant.
Genome position (GRCh38, 1-based): chr7:100,805,311, G>A on the plus strand (C>T on the coding strand, the complement: EPHB4 is on the minus strand). VCF-style: chr7-100805311-G-A. GRCh37 (hg19) VCF-style: chr7-100402933-G-A.
Other names: short protein forms P897S.
Identifiers: ClinVar variation 3224281 (VCV003224281.1), dbSNP rs1812793677, ClinGen allele CA368566733.